The following is an entry in ClinVar:

NM_000083.3(CLCN1):c.316C>G (p.Leu106Val)

Gene: CLCN1 (chloride voltage-gated channel 1; plus strand). Cytogenetic location: 7q34.
Variant type: single nucleotide variant.
Coding change: c.316C>G on transcript NM_000083.3 (MANE Select); coding-DNA position 316, C replaced by G.
Protein change: p.Leu106Val; replaces leucine 106 with valine.
Molecular consequence: missense variant. On other transcripts: non-coding transcript variant (1).
Genome position (GRCh38, 1-based): chr7:143,320,678, C>G. VCF-style: chr7-143320678-C-G. GRCh37 (hg19) VCF-style: chr7-143017771-C-G.
Other names: p.Leu106Val; short protein forms L106V.
Identifiers: ClinVar variation 359096 (VCV000359096.22), dbSNP rs145517198, ClinGen allele CA4536914.

ClinVar aggregate classification (germline): Benign/Likely benign. Review status: criteria provided, multiple submitters, no conflicts (2 of 4 stars). 7 submissions from 7 submitters: Benign (2); Likely benign (5). Last evaluated 2026-02-04.

Conditions:
Batten-Turner congenital myopathy. Also called: Myotonia congenita; Congenital myotonia. Identifiers: Orphanet 206973, MedGen C0027127, MONDO:0100468, OMIM 255300.
Congenital myotonia, autosomal dominant form (THD). Also called: THOMSEN DISEASE; Myotonia congenita autosomal dominant. Identifiers: Orphanet 614, MedGen C2936781, MONDO:0008055, OMIM 160800.
Congenital myotonia, autosomal recessive form. Also called: myotonia congenita, autosomal recessive; BECKER DISEASE; Becker Generalized Myotonia. Identifiers: Orphanet 614, MedGen C0751360, MONDO:0009715, OMIM 255700.

Allele frequency attached by ClinVar (database versions not stated): gnomAD exomes 0.00027 and 0.00074; ExAC 0.00101; gnomAD 0.00283 and 0.00313; TOPMed 0.00360; ESP Exome Variant Server 0.00369; 1000 Genomes Project 0.00419; 1000 Genomes Project 30x 0.00453.
gnomAD v4.1: 841 of 1,613,256 alleles (0.052%); highest among the groups gnomAD compares: African/African-American, 1%; 8 homozygotes.

Submissions (7):

Labcorp Genetics (formerly Invitae), Labcorp
Classification: Benign for Congenital myotonia, autosomal recessive form; Congenital myotonia, autosomal dominant form. Last evaluated: 2026-02-04. Review status: criteria provided, single submitter. Criteria: Invitae Variant Classification Sherloc (09022015). Collection method: clinical testing. Allele origin: germline.

Athena Diagnostics
Classification: Likely benign. Last evaluated: 2025-10-01. Review status: criteria provided, single submitter. Criteria: Athena Diagnostics Criteria. Collection method: clinical testing. Allele origin: unknown.
Comment: The frequency of this variant in the general population is higher than would generally be expected for pathogenic variants in this gene. Computational tools predict this amino acid change may be benign.

Mayo Clinic Laboratories, Mayo Clinic
Classification: Likely benign. Last evaluated: 2025-01-21. Review status: criteria provided, single submitter. Criteria: ACMG Guidelines, 2015. Collection method: clinical testing. Allele origin: germline. Observed: 2 variant alleles.
Comment: BS1, BP4_moderate

Blueprint Genetics
Classification: Likely benign. Last evaluated: 2024-08-06. Review status: criteria provided, single submitter. Criteria: ACMG Guidelines, 2015. Collection method: clinical testing. Allele origin: germline.

GeneDx
Classification: Likely benign. Last evaluated: 2021-03-24. Review status: criteria provided, single submitter. Criteria: GeneDx Variant Classification Process June 2021. Collection method: clinical testing. Allele origin: germline. Affected: yes.

Illumina Laboratory Services, Illumina
Classification: Benign for Myotonia congenita. Last evaluated: 2018-01-12. Review status: criteria provided, single submitter. Criteria: ICSL Variant Classification Criteria 13 December 2019. Collection method: clinical testing. Allele origin: germline.
Comment: This variant was observed in the ICSL laboratory as part of a predisposition screen in an ostensibly healthy population. It had not been previously curated by ICSL or reported in the Human Gene Mutation Database (HGMD: prior to June 1st, 2018), and was therefore a candidate for classification through an automated scoring system. Utilizing variant allele frequency, disease prevalence and penetrance estimates, and inheritance mode, an automated score was calculated to assess if this variant is too frequent to cause the disease. Based on the score and internal cut-off values, a variant classified as benign is not then subjected to further curation. The score for this variant resulted in a classification of benign for this disease.

Breakthrough Genomics
Classification: Likely benign. Review status: criteria provided, single submitter. Criteria: ACMG Guidelines, 2015. Collection method: not provided. Allele origin: germline. Inheritance: Autosomal recessive inheritance. Affected: yes.

Literature cited by the submitters: PubMed 34529042 (cited by Athena Diagnostics and Mayo Clinic Laboratories, Mayo Clinic).